The following is an entry in ClinVar:

ClinVar aggregate classification (germline): Conflicting classifications of pathogenicity. Review status: criteria provided, conflicting classifications (1 of 4 stars). 3 submissions from 3 submitters: Uncertain significance (1); Likely benign (1). 1 of the submissions does not count toward it. Last evaluated 2024-11-25.

Conditions:
Retinitis pigmentosa 25 (RP25). Identifiers: Orphanet 791, MedGen C1864446, MONDO:0011272, OMIM 602772.
Inborn genetic diseases. Identifiers: MedGen C0950123, MeSH D030342.

gnomAD v4.1: 1 of 1,611,998 alleles (0.000062%); highest among the groups gnomAD compares: Non-Finnish European, 0.000085%; no homozygotes.

Submissions (3):

Ambry Genetics
Classification: Likely benign for Inborn genetic diseases. Last evaluated: 2024-11-25. Review status: criteria provided, single submitter. Criteria: Ambry Variant Classification Scheme 2023. Collection method: clinical testing. Allele origin: germline.

Labcorp Genetics (formerly Invitae), Labcorp
Classification: Uncertain significance. Last evaluated: 2021-08-30. Review status: criteria provided, single submitter. Criteria: Invitae Variant Classification Sherloc (09022015). Collection method: clinical testing. Allele origin: germline.
Comment: This sequence change replaces alanine with threonine at codon 559 of the EYS protein (p.Ala559Thr). The alanine residue is weakly conserved and there is a small physicochemical difference between alanine and threonine. This variant is not present in population databases (ExAC no frequency). This variant has not been reported in the literature in individuals affected with EYS-related conditions. Algorithms developed to predict the effect of missense changes on protein structure and function output the following: SIFT: "Tolerated"; PolyPhen-2: "Benign"; Align-GVGD: "Class C0". The threonine amino acid residue is found in multiple mammalian species, which suggests that this missense change does not adversely affect protein function. In summary, the available evidence is currently insufficient to determine the role of this variant in disease. Therefore, it has been classified as a Variant of Uncertain Significance.

Natera, Inc.
Classification: Uncertain significance for Retinitis pigmentosa type 25. Last evaluated: 2021-01-14. Review status: no assertion criteria provided. Collection method: clinical testing. Allele origin: germline. Not counted in ClinVar's aggregate classification.

NM_001142800.2(EYS):c.1675G>A (p.Ala559Thr)

Gene: EYS (eyes shut homolog; minus strand). Cytogenetic location: 6q12.
Variant type: single nucleotide variant.
Coding change: c.1675G>A on transcript NM_001142800.2 (MANE Select); coding-DNA position 1675, G replaced by A.
Protein change: p.Ala559Thr; replaces alanine 559 with threonine.
Molecular consequence: missense variant.
Genome position (GRCh38, 1-based): chr6:65,335,071, C>T on the plus strand (G>A on the coding strand, the complement: EYS is on the minus strand). VCF-style: chr6-65335071-C-T. GRCh37 (hg19) VCF-style: chr6-66044964-C-T.
Other names: c.1675G>A, p.Ala559Thr (NM_001142801.2, NM_001292009.2, NM_198283.2); c.1675G>A (NM_001142800.1); short protein forms A559T.
Identifiers: ClinVar variation 1034958 (VCV001034958.4), dbSNP rs1769934918, ClinGen allele CA364661104.